The following is an entry in ClinVar:

NM_001008216.2(GALE):c.796A>T (p.Ile266Phe)

Gene: GALE (UDP-galactose-4-epimerase; minus strand). Cytogenetic location: 1p36.11.
Variant type: single nucleotide variant.
Coding change: c.796A>T on transcript NM_001008216.2 (MANE Select); coding-DNA position 796, A replaced by T.
Protein change: p.Ile266Phe; replaces isoleucine 266 with phenylalanine.
Molecular consequence: missense variant.
Genome position (GRCh38, 1-based): chr1:23,796,586, T>A on the plus strand (A>T on the coding strand, the complement: GALE is on the minus strand). VCF-style: chr1-23796586-T-A. GRCh37 (hg19) VCF-style: chr1-24123076-T-A.
Other names: c.796A>T, p.Ile266Phe (NM_000403.4, NM_001127621.2); short protein forms I266F.
Identifiers: ClinVar variation 3675701 (VCV003675701.2).

ClinVar aggregate classification (germline): Uncertain significance (1 of 4 stars; one submission).

Conditions:
UDPglucose-4-epimerase deficiency. Also called: GALACTOSEMIA III; GALE DEFICIENCY; UDP-GALACTOSE-4-EPIMERASE DEFICIENCY; Galactose epimerase deficiency; UDPglucose 4-Epimerase Deficiency Disease; Epimerase Deficiency Galactosemia. Identifiers: Orphanet 352, Orphanet 79238, MedGen C0751161, MONDO:0009257, OMIM 230350.

gnomAD v4.1: 1 of 1,614,094 alleles (0.000062%); highest among the groups gnomAD compares: African/African-American, 0.0013%; no homozygotes.

Submission:

Labcorp Genetics (formerly Invitae), Labcorp
Classification: Uncertain significance for UDPglucose-4-epimerase deficiency. Last evaluated: 2025-01-24. Review status: criteria provided, single submitter. Criteria: Invitae Variant Classification Sherloc (09022015). Collection method: clinical testing. Allele origin: germline.
Comment: This sequence change replaces isoleucine, which is neutral and non-polar, with phenylalanine, which is neutral and non-polar, at codon 266 of the GALE protein (p.Ile266Phe). This variant is present in population databases (rs758252537, gnomAD 0.007%). This variant has not been reported in the literature in individuals affected with GALE-related conditions. An algorithm developed to predict the effect of missense changes on protein structure and function (PolyPhen-2) suggests that this variant is likely to be tolerated. Algorithms developed to predict the effect of sequence changes on RNA splicing suggest that this variant may disrupt the consensus splice site. In summary, the available evidence is currently insufficient to determine the role of this variant in disease. Therefore, it has been classified as a Variant of Uncertain Significance.